The following is an entry in ClinVar:

NM_001122659.3(EDNRB):c.879T>A (p.Tyr293Ter)

Genes: EDNRB (endothelin receptor type B; minus strand), EDNRB-AS1 (EDNRB antisense RNA 1; plus strand). Cytogenetic location: 13q22.3.
Variant type: single nucleotide variant.
Coding change: c.879T>A on transcript NM_001122659.3 (MANE Select); coding-DNA position 879, T replaced by A.
Protein change: p.Tyr293Ter; replaces tyrosine 293 with a stop codon.
Molecular consequence: nonsense.
Genome position (GRCh38, 1-based): chr13:77,901,130, A>T on the plus strand (T>A on the coding strand, the complement: EDNRB is on the minus strand). VCF-style: chr13-77901130-A-T. GRCh37 (hg19) VCF-style: chr13-78475265-A-T.
Other names: c.879T>A, p.Tyr293Ter (NM_000115.5, NM_003991.4); c.1149T>A, p.Tyr383Ter (NM_001201397.2); short protein forms Y293*, Y383*.
Identifiers: ClinVar variation 2717861 (VCV002717861.3), dbSNP rs370187673, ClinGen allele CA388452042.

ClinVar aggregate classification (germline): Pathogenic (1 of 4 stars; one submission).

Submission:

Labcorp Genetics (formerly Invitae), Labcorp
Classification: Pathogenic. Last evaluated: 2023-08-04. Review status: criteria provided, single submitter. Criteria: Invitae Variant Classification Sherloc (09022015). Collection method: clinical testing. Allele origin: germline.
Comment: This sequence change creates a premature translational stop signal (p.Tyr293*) in the EDNRB gene. It is expected to result in an absent or disrupted protein product. Loss-of-function variants in EDNRB are known to be pathogenic (PMID: 8001159, 10528251, 20127975, 30394532). This variant is not present in population databases (gnomAD no frequency). This variant has not been reported in the literature in individuals affected with EDNRB-related conditions. For these reasons, this variant has been classified as Pathogenic.

Literature cited by the submitters: PubMed 8001159; PubMed 10528251; PubMed 20127975; PubMed 30394532.